The following is an entry in ClinVar:

ClinVar aggregate classification (germline): Pathogenic (1 of 4 stars; one submission).

Conditions:
Refsum disease, classic. Also called: HEREDOPATHIA ATACTICA POLYNEURITIFORMIS; HMSN IV; PHYTANIC ACID OXIDASE DEFICIENCY; PHYH-Related Refsum Disease. Identifiers: Orphanet 773, MedGen C5780941, MONDO:1060256, OMIM 266500. Disease mechanism: loss of function.

Submission:

Myriad Genetics, Inc.
Classification: Pathogenic for Refsum disease, classic. Last evaluated: 2024-05-14. Review status: criteria provided, single submitter. Criteria: Myriad Autosomal Dominant, Autosomal Recessive and X-Linked Classification Criteria (2023). Collection method: clinical testing. Allele origin: unknown.
Comment: NM_006214.3(PHYH):c.508_509ins10(S170Cfs*64) is expected to be pathogenic in the context of Refsum disease, PHYH-related. This variant is predicted to lead to an abnormal or absent protein product due to the creation of a premature termination codon in PHYH, a gene where loss-of-function variants are known to be pathogenic. Please note: this variant was assessed in the context of healthy population screening.

NM_006214.4(PHYH):c.508_509insGTATAAGAGA (p.Ser170fs)

Gene: PHYH (phytanoyl-CoA 2-hydroxylase; minus strand). Cytogenetic location: 10p13.
Variant type: Insertion.
Coding change: c.508_509insGTATAAGAGA on transcript NM_006214.4 (MANE Select); coding-DNA positions 508 to 509, GTATAAGAGA inserted.
Protein change: p.Ser170fs; shifts the reading frame from serine 170.
Molecular consequence: frameshift variant. On other transcripts: intron variant (1).
Genome position: GRCh38 VCF-style: chr10-13288529-G-GTCTCTTATAC. GRCh37 (hg19) VCF-style: chr10-13330529-G-GTCTCTTATAC.
Other names: c.208_209insGTATAAGAGA, p.Ser70fs (NM_001037537.2, NM_001323080.2); c.514_515insGTATAAGAGA, p.Ser172fs (NM_001323082.2); c.214_215insGTATAAGAGA, p.Ser72fs (NM_001323084.2); c.415-4691_415-4690insGTATAAGAGA (NM_001323083.2); short protein forms S170fs, S172fs, S70fs, S72fs.
Identifiers: ClinVar variation 5011040 (VCV005011040.1).
Genomic context (GRCh38, chr10:13,288,529, plus strand): 5'-ACGATGAGATCGCTGGGCCTGAAGGGGAAATAGTGCAGGTCCTGGTGCAGGGGGTGACGG[G>GTCTCTTATAC]ACGTCTTCTTGCCTGAAAAGAAAACCTGCTACTAAAGGATACTCGAGGCCGAGTGCAGTG-3'